The following is an entry in ClinVar:

NM_017934.7(PHIP):c.41-1G>A

Gene: PHIP (PHIP subunit of CUL4-Ring ligase complex; minus strand). Cytogenetic location: 6q14.1.
Variant type: single nucleotide variant.
Coding change: c.41-1G>A on transcript NM_017934.7 (MANE Select); the canonical splice acceptor site of the intron before coding-DNA position 41, G replaced by A.
Molecular consequence: splice acceptor variant.
Genome position (GRCh38, 1-based): chr6:79,077,914, C>T on the plus strand (G>A on the coding strand, the complement: PHIP is on the minus strand). VCF-style: chr6-79077914-C-T. GRCh37 (hg19) VCF-style: chr6-79787631-C-T.
Identifiers: ClinVar variation 5002255 (VCV005002255.1).

ClinVar aggregate classification (germline): Uncertain significance (1 of 4 stars; one submission).

Conditions:
PHIP-related disorder. Also called: PHIP-related condition; PHIP-related disorders.

Submission:

PreventionGenetics, part of Exact Sciences
Classification: Uncertain significance for PHIP-related condition. Last evaluated: 2024-10-25. Review status: criteria provided, single submitter. Criteria: ACMG Guidelines, 2015. Collection method: clinical testing. Allele origin: germline.
Comment: The PHIP c.41-1G>A variant is predicted to disrupt the AG splice acceptor site and interfere with normal splicing. To our knowledge, this variant has not been reported in the literature or in a large population database (gnomAD), indicating this variant is rare. Variants that disrupt the consensus splice acceptor site in PHIP are expected to be pathogenic. An alternative variant at the same splice site c.41-7C>A (with positive splice site change prediction by SpliceAI) was reported de novo in a patient with Chung–Jansen syndrome (Table 2, Sudnawa. 2024. PubMed ID: 37961033). Although we suspect that the c.41-1G>A variant may be pathogenic, at this time, the clinical significance of this variant is uncertain due to the absence of conclusive functional and genetic evidence.